The following is an entry in ClinVar:

NM_002087.4(GRN):c.1354_1374del (p.Val452_Pro458del)

Gene: GRN (granulin precursor; plus strand). Cytogenetic location: 17q21.31.
Variant type: Deletion.
Coding change: c.1354_1374del on transcript NM_002087.4 (MANE Select); coding-DNA positions 1354 to 1374, 21 bases deleted (GTGGGGCAGACCTGCTGCCCG).
Protein change: p.Val452_Pro458del.
Molecular consequence: inframe deletion.
Genome position (GRCh38, 1-based): chr17:44,352,189-44,352,209, GTGGGGCAGACCTGCTGCCCG deleted; deleting any 21 consecutive bases within chr17:44,352,181-44,352,209 gives the same sequence; the c. name uses the placement nearest the transcript's 3' end. VCF-style (leftmost placement, unchanged base first): chr17-44352180-AGCTGCCCGGTGGGGCAGACCT-A. GRCh37 (hg19) VCF-style: chr17-42429548-AGCTGCCCGGTGGGGCAGACCT-A.
Identifiers: ClinVar variation 2072556 (VCV002072556.4), dbSNP rs746307128, ClinGen allele CA8602175.
Genomic context (GRCh38, chr17:44,352,180, plus strand): 5'-ATGCCTGCCCGCCGGGCTTCCTTATCCCACCCCAGAGACATCGGCTGTGACCAGCACACC[AGCTGCCCGGTGGGGCAGACCT>A]GCTGCCCGAGCCTGGGTGGGAGCTGGGCCTGCTGCCAGTTGCCCCATGTGAGTGCCTCCC-3'

ClinVar aggregate classification (germline): Uncertain significance (1 of 4 stars; one submission).

Conditions:
Neuronal ceroid lipofuscinosis 11. Also called: GRN-Related Neuronal Ceroid-Lipofuscinosis. Identifiers: Orphanet 314629, Orphanet 79262, MedGen C3539123, MONDO:0013866, OMIM 614706.
GRN-related frontotemporal lobar degeneration with Tdp43 inclusions (FTD2). Also called: DEMENTIA, HEREDITARY DYSPHASIC DISINHIBITION; FRONTOTEMPORAL LOBAR DEGENERATION WITH UBIQUITIN-POSITIVE INCLUSIONS; FTLD-TDP, GRN-RELATED; GRN Frontotemporal Dementia; FRONTOTEMPORAL DEMENTIA WITH TDP43 INCLUSIONS, GRN-RELATED. Identifiers: Orphanet 100070, Orphanet 282, MedGen C1843792, MONDO:0011842, OMIM 607485. Disease mechanism: loss of function.

Submission:

Labcorp Genetics (formerly Invitae), Labcorp
Classification: Uncertain significance for Neuronal ceroid lipofuscinosis 11; GRN-related frontotemporal lobar degeneration with Tdp43 inclusions. Last evaluated: 2022-10-21. Review status: criteria provided, single submitter. Criteria: Invitae Variant Classification Sherloc (09022015). Collection method: clinical testing. Allele origin: germline.
Comment: This variant, c.1354_1374del, results in the deletion of 7 amino acid(s) of the GRN protein (p.Val452_Pro458del), but otherwise preserves the integrity of the reading frame. This variant is present in population databases (rs746307128, gnomAD 0.003%). This variant has not been reported in the literature in individuals affected with GRN-related conditions. Experimental studies and prediction algorithms are not available or were not evaluated, and the functional significance of this variant is currently unknown. Algorithms developed to predict the effect of sequence changes on RNA splicing suggest that this variant may disrupt the consensus splice site. This variant disrupts a region of the GRN protein in which other variant(s) (p.Pro458Leu) have been observed in individuals with GRN-related conditions (PMID: 30279455). This suggests that this is a clinically significant region of the protein, and that variants that disrupt it are likely to be disease-causing. In summary, the available evidence is currently insufficient to determine the role of this variant in disease. Therefore, it has been classified as a Variant of Uncertain Significance.

Literature cited by the submitters: PubMed 30279455.